The following is an entry in ClinVar:

ClinVar aggregate classification (germline): Uncertain significance (1 of 4 stars; one submission).

Allele frequency attached by ClinVar (database versions not stated): gnomAD exomes below 0.00001.
gnomAD v4.1: 1 of 1,614,126 alleles (0.000062%); highest among the groups gnomAD compares: Non-Finnish European, 0.000085%; no homozygotes.

Submission:

GeneDx
Classification: Uncertain significance. Last evaluated: 2019-12-02. Review status: criteria provided, single submitter. Criteria: GeneDx Variant Classification Process June 2021. Collection method: clinical testing. Allele origin: germline. Affected: yes.
Comment: Not observed in large population cohorts (Lek et al., 2016); In silico analysis, which includes splice predictors and evolutionary conservation, supports that this variant does not alter protein structure/function; Has not been previously published as pathogenic or benign to our knowledge

NM_001844.5(COL2A1):c.4356C>T (p.Tyr1452=)

Gene: COL2A1 (collagen type II alpha 1 chain; minus strand). Cytogenetic location: 12q13.11.
Variant type: single nucleotide variant.
Coding change: c.4356C>T on transcript NM_001844.5 (MANE Select); coding-DNA position 4356, C replaced by T.
Protein change: p.Tyr1452=; no amino-acid change (tyrosine 1452 retained).
Molecular consequence: synonymous variant.
Genome position (GRCh38, 1-based): chr12:47,973,515, G>A on the plus strand (C>T on the coding strand, the complement: COL2A1 is on the minus strand). VCF-style: chr12-47973515-G-A. GRCh37 (hg19) VCF-style: chr12-48367298-G-A.
Other names: c.4149C>T, p.Tyr1383= (NM_033150.3).
Identifiers: ClinVar variation 1310600 (VCV001310600.2), dbSNP rs2136502370, ClinGen allele CA479449263.
Genomic context (GRCh38, chr12:47,973,515, plus strand): 5'-CCCTCCTATGTCCATGGGTGCAATGTCAATGATGGGGAGGCGTGAGGTCTTCTGTGACCG[G>A]TACTCGATAACAGTCTTGCCCCACTTACCGGTATGTTTCTAGGGGAGAAAAAAGGAGGAG-3'
Protein context (NP_001835.3, residues 1442-1462): TGKWGKTVIE[Tyr1452=]RSQKTSRLPI